The following is an entry in ClinVar:

NM_017636.4(TRPM4):c.2596del (p.Gln866fs)

Gene: TRPM4 (transient receptor potential cation channel subfamily M member 4; plus strand). Cytogenetic location: 19q13.33.
Variant type: Deletion.
Coding change: c.2596del on transcript NM_017636.4 (MANE Select); coding-DNA position 2596, one base deleted (C; older notation c.2596delC).
Protein change: p.Gln866fs; shifts the reading frame from glutamine 866.
Molecular consequence: frameshift variant. On other transcripts: intron variant (1).
Genome position (GRCh38, 1-based): chr19:49,196,825, C deleted; the last of 2 consecutive C bases (chr19:49,196,824-49,196,825); deleting either gives the same sequence. VCF-style (leftmost placement, unchanged base first): chr19-49196823-AC-A. GRCh37 (hg19) VCF-style: chr19-49700080-AC-A.
Other names: c.2251del, p.Gln751fs (NM_001321281.2); c.988del, p.Gln330fs (NM_001321282.2); c.2074del, p.Gln692fs (NM_001321283.2); c.1534del, p.Gln512fs (NM_001321285.2); c.2211-3475del (NM_001195227.2); short protein forms Q751fs, Q692fs, Q866fs, Q330fs, Q512fs.
Identifiers: ClinVar variation 1793573 (VCV001793573.2), dbSNP rs1968671728, ClinGen allele CA2340287367.
Genomic context (GRCh38, chr19:49,196,823, plus strand): 5'-CCGGGCCTGGCCATGCCTCACTGAGCCAGCGCCTGCGCCTCTACCTCGCCGACAGCTGGA[AC>A]CAGTGCGACCTAGTGGCTCTCACCTGCTTCCTCCTGGGCGTGGGCTGCCGGTGAGTGCCC-3'

ClinVar aggregate classification (germline): Uncertain significance (1 of 4 stars; one submission).

Conditions:
Cardiovascular phenotype. Identifiers: MedGen CN230736.

Submission:

Ambry Genetics
Classification: Uncertain significance for Cardiovascular phenotype. Last evaluated: 2022-04-21. Review status: criteria provided, single submitter. Criteria: Ambry Variant Classification Scheme 2023. Collection method: clinical testing. Allele origin: germline.
Comment: The c.2596delC variant, located in coding exon 17 of the TRPM4 gene, results from a deletion of one nucleotide at nucleotide position 2596, causing a translational frameshift with a predicted alternate stop codon (p.Q866Sfs*4). This alteration is expected to result in loss of function by premature protein truncation or nonsense-mediated mRNA decay. However, loss of function of TRPM4 has not been clearly established as a mechanism of disease. Since supporting evidence is limited at this time, the clinical significance of this alteration remains unclear.